The following is an entry in ClinVar:

NM_013432.5(TONSL):c.1759G>A (p.Ala587Thr)

Genes: TONSL (tonsoku like, DNA repair protein; minus strand), TONSL-AS1 (TONSL antisense RNA 1; plus strand). Cytogenetic location: 8q24.3.
Variant type: single nucleotide variant.
Coding change: c.1759G>A on transcript NM_013432.5 (MANE Select); coding-DNA position 1759, G replaced by A.
Protein change: p.Ala587Thr; replaces alanine 587 with threonine.
Molecular consequence: missense variant. On other transcripts: non-coding transcript variant (1).
Genome position (GRCh38, 1-based): chr8:144,436,888, C>T on the plus strand (G>A on the coding strand, the complement: TONSL is on the minus strand). VCF-style: chr8-144436888-C-T. GRCh37 (hg19) VCF-style: chr8-145662271-C-T.
Other names: short protein forms A587T.
Identifiers: ClinVar variation 1417535 (VCV001417535.6), dbSNP rs369062838, ClinGen allele CA4943054.

ClinVar aggregate classification (germline): Uncertain significance (1 of 4 stars; one submission).

Allele frequency attached by ClinVar (database versions not stated): gnomAD exomes 0.00005; ExAC 0.00006; ESP Exome Variant Server 0.00008; TOPMed 0.00008; gnomAD 0.00011.
gnomAD v4.1: 93 of 1,608,520 alleles (0.0058%); highest among the groups gnomAD compares: African/African-American, 0.008%; no homozygotes.

Submission:

Labcorp Genetics (formerly Invitae), Labcorp
Classification: Uncertain significance. Last evaluated: 2025-12-08. Review status: criteria provided, single submitter. Criteria: Invitae Variant Classification Sherloc (09022015). Collection method: clinical testing. Allele origin: germline.
Comment: This sequence change replaces alanine, which is neutral and non-polar, with threonine, which is neutral and polar, at codon 587 of the TONSL protein (p.Ala587Thr). This variant is present in population databases (rs369062838, gnomAD 0.007%). This variant has not been reported in the literature in individuals affected with TONSL-related conditions. ClinVar contains an entry for this variant (Variation ID: 1417535). Invitae Evidence Modeling of protein sequence and biophysical properties (such as structural, functional, and spatial information, amino acid conservation, physicochemical variation, residue mobility, and thermodynamic stability) indicates that this missense variant is not expected to disrupt TONSL protein function with a negative predictive value of 80%. In summary, the available evidence is currently insufficient to determine the role of this variant in disease. Therefore, it has been classified as a Variant of Uncertain Significance.